The following is an entry in ClinVar:

ClinVar aggregate classification (germline): Uncertain significance (0 of 4 stars; one submission).

Conditions:
GNAS-related disorder. Identifiers: MedGen CN380105.

Allele frequency attached by ClinVar (database versions not stated): TOPMed below 0.00001; ExAC 0.00002; gnomAD 0.00001; gnomAD exomes 0.00001.
gnomAD v4.1: 14 of 1,590,438 alleles (0.00088%); highest among the groups gnomAD compares: Non-Finnish European, 0.0011%; no homozygotes.

Submission:

PreventionGenetics, part of Exact Sciences
Classification: Uncertain significance for GNAS-related condition. Last evaluated: 2023-12-07. Review status: no assertion criteria provided. Collection method: clinical testing. Allele origin: germline.
Comment: The GNAS c.1985A>G variant is predicted to result in the amino acid substitution p.Glu662Gly. In the primary transcript listed in the Human Gene Mutation Database, this variant is pre-coding (NM_000516.7, c.-36477A>G). To our knowledge, this variant has not been reported in the literature. This variant is reported in 0.0033% of alleles in individuals of European (Non-Finnish) descent in gnomAD. At this time, the clinical significance of this variant is uncertain due to the absence of conclusive functional and genetic evidence.

NM_080425.4(GNAS):c.1985A>G (p.Glu662Gly)

Gene: GNAS (GNAS complex locus; plus strand). Cytogenetic location: 20q13.32.
Variant type: single nucleotide variant.
Coding change: c.1985A>G on transcript NM_080425.4 (MANE Plus Clinical); coding-DNA position 1985, A replaced by G.
Protein change: p.Glu662Gly; replaces glutamic acid 662 with glycine.
Molecular consequence: missense variant. On other transcripts: intron variant (3).
Genome position (GRCh38, 1-based): chr20:58,855,250, A>G. VCF-style: chr20-58855250-A-G. GRCh37 (hg19) VCF-style: chr20-57430305-A-G.
Other names: c.1798A>G, p.Arg600Gly (NM_001077490.3, NM_001309883.1); c.1985A>G, p.Glu662Gly (NM_001410913.1); c.*42+14364A>G (NM_016592.5); c.43+14364A>G (NM_001410912.1); c.-39+13375A>G (NM_001309861.2); short protein forms E662G, R600G.
Identifiers: ClinVar variation 3034679 (VCV003034679.2), dbSNP rs770112423, ClinGen allele CA9926801.